The following is an entry in ClinVar:

NM_152490.5(B3GALNT2):c.1397G>A (p.Cys466Tyr)

Genes: B3GALNT2 (beta-1,3-N-acetylgalactosaminyltransferase 2; minus strand), TBCE (tubulin folding cofactor E; plus strand). Cytogenetic location: 1q42.3.
Variant type: single nucleotide variant.
Coding change: c.1397G>A on transcript NM_152490.5 (MANE Select); coding-DNA position 1397, G replaced by A.
Protein change: p.Cys466Tyr; replaces cysteine 466 with tyrosine.
Molecular consequence: missense variant. On other transcripts: 3 prime UTR variant (4).
Genome position (GRCh38, 1-based): chr1:235,450,312, C>T on the plus strand (G>A on the coding strand, the complement: B3GALNT2 is on the minus strand). VCF-style: chr1-235450312-C-T. GRCh37 (hg19) VCF-style: chr1-235613627-C-T.
Other names: c.*1550C>T (NM_001079515.3, NM_001287801.2, NM_001287802.2 and 1 more transcripts); short protein forms C466Y.
Identifiers: ClinVar variation 653888 (VCV000653888.8), dbSNP rs1572474424, ClinGen allele CA344954401.

ClinVar aggregate classification (germline): Uncertain significance (1 of 4 stars; one submission).

Conditions:
Muscular dystrophy-dystroglycanopathy (congenital with brain and eye anomalies), type a, 11 (MDDGA11). Also called: Congenital muscular dystrophy-dystroglycanopathy with brain and eye anomalies, type A11; WALKER-WARBURG SYNDROME OR MUSCLE-EYE-BRAIN DISEASE, B3GALNT2-RELATED; Muscular dystrophy-dystroglycanopathy (congenital with brain and eye anomalies, type A, 11. Identifiers: Orphanet 588, Orphanet 899, MedGen C3554638, MONDO:0014071, OMIM 615181.

Submission:

Labcorp Genetics (formerly Invitae), Labcorp
Classification: Uncertain significance for Muscular dystrophy-dystroglycanopathy (congenital with brain and eye anomalies), type a, 11. Last evaluated: 2022-05-16. Review status: criteria provided, single submitter. Criteria: Invitae Variant Classification Sherloc (09022015). Collection method: clinical testing. Allele origin: germline.
Comment: In summary, the available evidence is currently insufficient to determine the role of this variant in disease. Therefore, it has been classified as a Variant of Uncertain Significance. Algorithms developed to predict the effect of missense changes on protein structure and function are either unavailable or do not agree on the potential impact of this missense change (SIFT: "Deleterious"; PolyPhen-2: "Possibly Damaging"; Align-GVGD: "Class C0"). ClinVar contains an entry for this variant (Variation ID: 653888). This variant has not been reported in the literature in individuals affected with B3GALNT2-related conditions. This variant is not present in population databases (gnomAD no frequency). This sequence change replaces cysteine, which is neutral and slightly polar, with tyrosine, which is neutral and polar, at codon 466 of the B3GALNT2 protein (p.Cys466Tyr).